The following is an entry in ClinVar:

ClinVar aggregate classification (germline): Likely benign (1 of 4 stars; one submission).

Conditions:
DNAH10-related disorder. Also called: DNAH10-related condition.

gnomAD v4.1: 48 of 1,609,438 alleles (0.003%); highest among the groups gnomAD compares: Middle Eastern, 0.066%; no homozygotes.

Submission:

PreventionGenetics, part of Exact Sciences
Classification: Likely benign for DNAH10-related condition. Last evaluated: 2025-10-06. Review status: criteria provided, single submitter. Criteria: ACMG Guidelines, 2015. Collection method: clinical testing. Allele origin: germline.
Comment: This variant is classified as likely benign based on ACMG/AMP sequence variant interpretation guidelines (Richards et al. 2015 PMID: 25741868, with internal and published modifications).

NM_001372106.1(DNAH10):c.13719C>T (p.His4573=)

Gene: DNAH10 (dynein axonemal heavy chain 10; plus strand). Cytogenetic location: 12q24.31.
Variant type: single nucleotide variant.
Coding change: c.13719C>T on transcript NM_001372106.1 (MANE Select); coding-DNA position 13719, C replaced by T.
Protein change: p.His4573=; no amino-acid change (histidine 4573 retained).
Molecular consequence: synonymous variant.
Genome position (GRCh38, 1-based): chr12:123,935,430, C>T. VCF-style: chr12-123935430-C-T. GRCh37 (hg19) VCF-style: chr12-124419977-C-T.
Other names: c.13365C>T, p.His4455= (NM_207437.3).
Identifiers: ClinVar variation 4980591 (VCV004980591.1).